The following is an entry in ClinVar:

NM_182961.4(SYNE1):c.10568G>A (p.Gly3523Asp)

Gene: SYNE1 (spectrin repeat containing nuclear envelope protein 1; minus strand). Cytogenetic location: 6q25.2.
Variant type: single nucleotide variant.
Coding change: c.10568G>A on transcript NM_182961.4 (MANE Select); coding-DNA position 10568, G replaced by A.
Protein change: p.Gly3523Asp; replaces glycine 3523 with aspartic acid.
Molecular consequence: missense variant.
Genome position (GRCh38, 1-based): chr6:152,358,413, C>T on the plus strand (G>A on the coding strand, the complement: SYNE1 is on the minus strand). VCF-style: chr6-152358413-C-T. GRCh37 (hg19) VCF-style: chr6-152679548-C-T.
Other names: c.10589G>A, p.Gly3530Asp (NM_033071.5); short protein forms G3523D, G3530D.
Identifiers: ClinVar variation 1372845 (VCV001372845.6), dbSNP rs766218121, ClinGen allele CA4056928.

ClinVar aggregate classification (germline): Uncertain significance (1 of 4 stars; one submission).

Conditions:
Emery-Dreifuss muscular dystrophy 4, autosomal dominant (EDMD4). Also called: EMERY-DREIFUSS MUSCULAR DYSTROPHY 4 WITH VARIABLE FEATURES. Identifiers: Orphanet 261, MedGen C2751807, MONDO:0013071, OMIM 612998.
Autosomal recessive ataxia, Beauce type. Also called: SYNE1-Related Autosomal Recessive Cerebellar Ataxia; Spinocerebellar ataxia, autosomal recessive 8; ATAXIA, RECESSIVE, OF BEAUCE; SYNE1 Deficiency. Identifiers: Orphanet 88644, MedGen C1853116, MONDO:0012549, OMIM 610743.

Allele frequency attached by ClinVar (database versions not stated): gnomAD 0.00001; TOPMed 0.00001; gnomAD exomes 0.00002; ExAC 0.00003.
gnomAD v4.1: 20 of 1,614,072 alleles (0.0012%); highest among the groups gnomAD compares: South Asian, 0.022%; no homozygotes.

Submission:

Labcorp Genetics (formerly Invitae), Labcorp
Classification: Uncertain significance for Emery-Dreifuss muscular dystrophy 4, autosomal dominant; Autosomal recessive ataxia, Beauce type. Last evaluated: 2024-02-24. Review status: criteria provided, single submitter. Criteria: Invitae Variant Classification Sherloc (09022015). Collection method: clinical testing. Allele origin: germline.
Comment: This sequence change replaces glycine, which is neutral and non-polar, with aspartic acid, which is acidic and polar, at codon 3530 of the SYNE1 protein (p.Gly3530Asp). This variant is present in population databases (rs766218121, gnomAD 0.02%). This variant has not been reported in the literature in individuals affected with SYNE1-related conditions. ClinVar contains an entry for this variant (Variation ID: 1372845). An algorithm developed to predict the effect of missense changes on protein structure and function (PolyPhen-2) suggests that this variant is likely to be disruptive. In summary, the available evidence is currently insufficient to determine the role of this variant in disease. Therefore, it has been classified as a Variant of Uncertain Significance.